The following is an entry in ClinVar:

NM_019892.6(INPP5E):c.1318A>G (p.Thr440Ala)

Gene: INPP5E (inositol polyphosphate-5-phosphatase E; minus strand). Cytogenetic location: 9q34.3.
Variant type: single nucleotide variant.
Coding change: c.1318A>G on transcript NM_019892.6 (MANE Select); coding-DNA position 1318, A replaced by G.
Protein change: p.Thr440Ala; replaces threonine 440 with alanine.
Molecular consequence: missense variant.
Genome position (GRCh38, 1-based): chr9:136,432,548, T>C on the plus strand (A>G on the coding strand, the complement: INPP5E is on the minus strand). VCF-style: chr9-136432548-T-C. GRCh37 (hg19) VCF-style: chr9-139327000-T-C.
Other names: c.1315A>G, p.Thr439Ala (NM_001318502.2); short protein forms T439A, T440A.
Identifiers: ClinVar variation 847802 (VCV000847802.10), dbSNP rs752497011, ClinGen allele CA5336843.

ClinVar aggregate classification (germline): Uncertain significance (1 of 4 stars; one submission).

Conditions:
Joubert syndrome. Also called: CEREBELLOPARENCHYMAL DISORDER IV; JOUBERT-BOLTSHAUSER SYNDROME; Familial aplasia of the vermis. Identifiers: Orphanet 475, MedGen C5979921, MONDO:0018772.

Allele frequency attached by ClinVar (database versions not stated): gnomAD exomes below 0.00001 and 0.00001; ExAC 0.00005.
gnomAD v4.1: 3 of 1,550,874 alleles (0.00019%); highest among the groups gnomAD compares: South Asian, 0.0036%; no homozygotes.

Submission:

Labcorp Genetics (formerly Invitae), Labcorp
Classification: Uncertain significance for Joubert syndrome. Last evaluated: 2021-02-24. Review status: criteria provided, single submitter. Criteria: Invitae Variant Classification Sherloc (09022015). Collection method: clinical testing. Allele origin: germline.
Comment: Algorithms developed to predict the effect of missense changes on protein structure and function output the following: SIFT: "Tolerated"; PolyPhen-2: "Benign"; Align-GVGD: "Class C0". The alanine amino acid residue is found in multiple mammalian species, suggesting that this missense change does not adversely affect protein function. These predictions have not been confirmed by published functional studies and their clinical significance is uncertain. In summary, the available evidence is currently insufficient to determine the role of this variant in disease. Therefore, it has been classified as a Variant of Uncertain Significance. This variant has not been reported in the literature in individuals with INPP5E-related conditions. This sequence change replaces threonine with alanine at codon 440 of the INPP5E protein (p.Thr440Ala). The threonine residue is weakly conserved and there is a small physicochemical difference between threonine and alanine. This variant is present in population databases (rs752497011, ExAC 0.01%).